The following is an entry in ClinVar:

ClinVar aggregate classification (germline): Pathogenic (1 of 4 stars; one submission).

Conditions:
Porokeratosis 3, disseminated superficial actinic type (POROK3). Also called: POROKERATOSIS, DISSEMINATED SUPERFICIAL ACTINIC, 1; POROKERATOSIS 3, MULTIPLE TYPES; POROKERATOSIS 3, MIBELLI TYPE. Identifiers: MedGen C1867981, MONDO:0008293, OMIM 175900.
Mevalonic aciduria (MEVA). Identifiers: Orphanet 29, MedGen C1959626, MONDO:0012481, OMIM 610377.
Hyperimmunoglobulin D with periodic fever (HIDS). Also called: Hyperimmunoglobulinemia D with periodic fever; HYPERIMMUNOGLOBULINEMIA D AND PERIODIC FEVER SYNDROME; Hyperimmunoglobulinemia D. Identifiers: Orphanet 343, MedGen C0398691, MONDO:0009849, OMIM 260920.

Submission:

Labcorp Genetics (formerly Invitae), Labcorp
Classification: Pathogenic for Mevalonic aciduria; Hyperimmunoglobulin D with periodic fever; Porokeratosis 3, disseminated superficial actinic type. Last evaluated: 2022-01-27. Review status: criteria provided, single submitter. Criteria: Invitae Variant Classification Sherloc (09022015). Collection method: clinical testing. Allele origin: germline.
Comment: This sequence change creates a premature translational stop signal (p.Leu224*) in the MVK gene. It is expected to result in an absent or disrupted protein product. Loss-of-function variants in MVK are known to be pathogenic (PMID: 16835861, 17105862, 23834120). For these reasons, this variant has been classified as Pathogenic. A different sequence change resulting in the same premature translational stop signal has been observed in individual(s) with porokeratosis (PMID: 26202976). This variant is not present in population databases (gnomAD no frequency).

Literature cited by the submitters: PubMed 16835861; PubMed 17105862; PubMed 23834120; PubMed 26202976.

NM_000431.4(MVK):c.671T>G (p.Leu224Ter)

Gene: MVK (mevalonate kinase; plus strand). Cytogenetic location: 12q24.11.
Variant type: single nucleotide variant.
Coding change: c.671T>G on transcript NM_000431.4 (MANE Select); coding-DNA position 671, T replaced by G.
Protein change: p.Leu224Ter; replaces leucine 224 with a stop codon.
Molecular consequence: nonsense.
Genome position (GRCh38, 1-based): chr12:109,586,793, T>G. VCF-style: chr12-109586793-T-G. GRCh37 (hg19) VCF-style: chr12-110024598-T-G.
Other names: c.671T>G, p.Leu224Ter (NM_001114185.3, NM_001414511.1, NM_001414512.1 and 1 more transcripts); c.515T>G, p.Leu172Ter (NM_001301182.2, NM_001414514.1); c.89T>G, p.Leu30Ter (NM_001414515.1); short protein forms L30*, L172*, L224*.
Identifiers: ClinVar variation 2090149 (VCV002090149.4), dbSNP rs2548631938, ClinGen allele CA386648342.